The following is an entry in ClinVar:

NM_001042492.3(NF1):c.7424C>T (p.Thr2475Ile)

Gene: NF1 (neurofibromin 1; plus strand). Cytogenetic location: 17q11.2.
Variant type: single nucleotide variant.
Coding change: c.7424C>T on transcript NM_001042492.3 (MANE Select); coding-DNA position 7424, C replaced by T.
Protein change: p.Thr2475Ile; replaces threonine 2475 with isoleucine.
Molecular consequence: missense variant.
Genome position (GRCh38, 1-based): chr17:31,350,285, C>T. VCF-style: chr17-31350285-C-T. GRCh37 (hg19) VCF-style: chr17-29677303-C-T.
Other names: c.7361C>T, p.Thr2454Ile (NM_000267.4); short protein forms T2454I, T2475I.
Identifiers: ClinVar variation 457842 (VCV000457842.16), dbSNP rs770532573, ClinGen allele CA8487567.
Genomic context (GRCh38, chr17:31,350,285, plus strand): 5'-TAAAACATAGAAAGTCACTTCTTCTTACTGATATTTCAATGGAAAATGTTCCTATGGATA[C>T]ATATCCCATTCATCATGGTGACCCTTCCTATAGGTAAGTGGATTTACTCTCCTATAATTA-3'
Protein context (NP_001035957.1, residues 2465-2485): DISMENVPMD[Thr2475Ile]YPIHHGDPSY

ClinVar aggregate classification (germline): Conflicting classifications of pathogenicity. Review status: criteria provided, conflicting classifications (1 of 4 stars). 4 submissions from 4 submitters: Uncertain significance (2); Benign (1); Likely benign (1). Last evaluated 2026-10-21.

Conditions:
Cardiovascular phenotype. Identifiers: MedGen CN230736.
Hereditary cancer-predisposing syndrome. Also called: Tumor predisposition; Neoplastic Syndromes, Hereditary; Hereditary Cancer Syndrome; Hereditary neoplastic syndrome. Identifiers: Orphanet 140162, MedGen C0027672, MeSH D009386, MONDO:0015356.
Neurofibromatosis, type 1 (NF1). Also called: VON RECKLINGHAUSEN DISEASE; Neurofibromatosis, type I; Peripheral type neurofibromatosis; NEUROFIBROMATOSIS, TYPE I, SOMATIC. Identifiers: Orphanet 636, MedGen C0027831, MONDO:0018975, OMIM 162200. Disease mechanism: loss of function.

Allele frequency attached by ClinVar (database versions not stated): ExAC 0.00001; gnomAD exomes below 0.00001.
gnomAD v4.1: 4 of 1,612,744 alleles (0.00025%); highest among the groups gnomAD compares: East Asian, 0.0045%; no homozygotes.

Submissions (4):

GeneDx
Classification: Uncertain significance. Last evaluated: 2026-10-21. Review status: criteria provided, single submitter. Criteria: GeneDx Variant Classification Process June 2021. Collection method: clinical testing. Allele origin: germline.
Comment: In silico analysis suggests that this missense variant does not alter protein structure/function; Has not been previously published as pathogenic or benign in association with neurodevelopmental disorders to our knowledge; This variant is associated with the following publications: (PMID: 30287823, 36243179, 25486365)

Labcorp Genetics (formerly Invitae), Labcorp
Classification: Benign for Neurofibromatosis, type 1. Last evaluated: 2026-01-05. Review status: criteria provided, single submitter. Criteria: Invitae Variant Classification Sherloc (09022015). Collection method: clinical testing. Allele origin: germline.

Ambry Genetics
Classification: Likely benign for Cardiovascular phenotype; Hereditary cancer-predisposing syndrome. Last evaluated: 2023-11-02. Review status: criteria provided, single submitter. Criteria: Ambry Variant Classification Scheme 2023. Collection method: clinical testing. Allele origin: germline.

Genome-Nilou Lab
Classification: Uncertain significance for Neurofibromatosis, type 1. Last evaluated: 2022-03-15. Review status: criteria provided, single submitter. Criteria: ACMG Guidelines, 2015. Collection method: clinical testing. Allele origin: germline. Affected: no.